The following is an entry in ClinVar:

ClinVar aggregate classification (germline): Uncertain significance (1 of 4 stars; one submission).

Conditions:
Dyskeratosis congenita, autosomal recessive 5 (DKCB5). Identifiers: MedGen C3554656, MONDO:0014076, OMIM 615190.
Pulmonary fibrosis and/or bone marrow failure, Telomere-related, 3. Also called: PULMONARY FIBROSIS AND/OR BONE MARROW FAILURE SYNDROME, TELOMERE-RELATED, 3. Identifiers: Orphanet 2032, MedGen C4225346, MONDO:0014613, OMIM 616373.

Submission:

Labcorp Genetics (formerly Invitae), Labcorp
Classification: Uncertain significance for Dyskeratosis congenita, autosomal recessive 5; Pulmonary fibrosis and/or bone marrow failure, Telomere-related, 3. Last evaluated: 2023-12-27. Review status: criteria provided, single submitter. Criteria: Invitae Variant Classification Sherloc (09022015). Collection method: clinical testing. Allele origin: germline.
Comment: This sequence change replaces glutamic acid, which is acidic and polar, with glycine, which is neutral and non-polar, at codon 629 of the RTEL1 protein (p.Glu629Gly). This variant is not present in population databases (gnomAD no frequency). This variant has not been reported in the literature in individuals affected with RTEL1-related conditions. An algorithm developed to predict the effect of missense changes on protein structure and function (PolyPhen-2) suggests that this variant is likely to be disruptive. In summary, the available evidence is currently insufficient to determine the role of this variant in disease. Therefore, it has been classified as a Variant of Uncertain Significance.

NM_001283009.2(RTEL1):c.1886A>G (p.Glu629Gly)

Genes: RTEL1 (regulator of telomere elongation helicase 1; plus strand), RTEL1-TNFRSF6B (RTEL1-TNFRSF6B readthrough (NMD candidate); plus strand). Cytogenetic location: 20q13.33.
Variant type: single nucleotide variant.
Coding change: c.1886A>G on transcript NM_001283009.2 (MANE Select); coding-DNA position 1886, A replaced by G.
Protein change: p.Glu629Gly; replaces glutamic acid 629 with glycine.
Molecular consequence: missense variant. On other transcripts: non-coding transcript variant (1).
Genome position (GRCh38, 1-based): chr20:63,689,509, A>G. VCF-style: chr20-63689509-A-G. GRCh37 (hg19) VCF-style: chr20-62320862-A-G.
Other names: c.1217A>G, p.Glu406Gly (NM_001283010.1); c.1886A>G, p.Glu629Gly (NM_016434.4); c.1958A>G, p.Glu653Gly (NM_032957.5); short protein forms E629G, E406G, E653G.
Identifiers: ClinVar variation 2921739 (VCV002921739.3), dbSNP rs2517132393, ClinGen allele CA409678677.